The following is an entry in ClinVar:

ClinVar aggregate classification (germline): Uncertain significance (1 of 4 stars; one submission).

gnomAD v4.1: 1 of 1,569,126 alleles (0.000064%); highest among the groups gnomAD compares: Admixed American, 0.0019%; no homozygotes.

Submission:

Women's Health and Genetics/Laboratory Corporation of America, LabCorp
Classification: Uncertain significance. Last evaluated: 2025-06-02. Review status: criteria provided, single submitter. Criteria: LabCorp Variant Classification Summary - May 2015. Collection method: clinical testing. Allele origin: germline.
Comment: Variant summary: VDR c.934C>T (p.Pro312Ser) results in a non-conservative amino acid change located in the ligand-binding domain (IPR000536) of the encoded protein sequence. Algorithms developed to predict the effect of missense changes on protein structure and function all suggest that this variant is likely to be disruptive. The frequency data for this variant in gnomAD is considered unreliable, as metrics indicate poor data quality at this position. To our knowledge, no occurrence of c.934C>T in individuals affected with Vitamin D-Dependent Rickets Type II With Alopecia and no experimental evidence demonstrating its impact on protein function have been reported. No submitters have cited clinical-significance assessments for this variant to ClinVar. Based on the evidence outlined above, the variant was classified as uncertain significance.

NM_000376.3(VDR):c.934C>T (p.Pro312Ser)

Gene: VDR (vitamin D receptor; minus strand). Cytogenetic location: 12q13.11.
Variant type: single nucleotide variant.
Coding change: c.934C>T on transcript NM_000376.3 (MANE Select); coding-DNA position 934, C replaced by T.
Protein change: p.Pro312Ser; replaces proline 312 with serine.
Molecular consequence: missense variant.
Genome position (GRCh38, 1-based): chr12:47,846,425, G>A on the plus strand (C>T on the coding strand, the complement: VDR is on the minus strand). VCF-style: chr12-47846425-G-A. GRCh37 (hg19) VCF-style: chr12-48240208-G-A.
Other names: c.934C>T, p.Pro312Ser (NM_001017535.2, NM_001364085.2, NM_001374661.1 and 1 more transcripts); c.1084C>T, p.Pro362Ser (NM_001017536.2); short protein forms P312S, P362S.
Identifiers: ClinVar variation 3907456 (VCV003907456.1).